The following is an entry in ClinVar:

NM_000094.4(COL7A1):c.5672_5698del (p.Leu1891_Gly1899del)

Gene: COL7A1 (collagen type VII alpha 1 chain; minus strand). Cytogenetic location: 3p21.31.
Variant type: Deletion.
Coding change: c.5672_5698del on transcript NM_000094.4 (MANE Select); coding-DNA positions 5672 to 5698, 27 bases deleted (TCCCAGGGCCAGTGGGCCCTCCTGGCC).
Protein change: p.Leu1891_Gly1899del.
Molecular consequence: inframe deletion.
Genome position (GRCh38, 1-based): chr3:48,576,678-48,576,704, GGCCAGGAGGGCCCACTGGCCCTGGGA deleted on the plus strand (TCCCAGGGCCAGTGGGCCCTCCTGGCC on the coding strand, the reverse complement: COL7A1 is on the minus strand); deleting any 27 consecutive bases within chr3:48,576,678-48,576,708 gives the same sequence; the c. name uses the placement nearest the transcript's 3' end. VCF-style (leftmost placement, unchanged base first): chr3-48576677-TGGCCAGGAGGGCCCACTGGCCCTGGGA-T. GRCh37 (hg19) VCF-style: chr3-48614110-TGGCCAGGAGGGCCCACTGGCCCTGGGA-T.
Identifiers: ClinVar variation 2031696 (VCV002031696.4), dbSNP rs2531002661, ClinGen allele CA2580070028.

ClinVar aggregate classification (germline): Uncertain significance (1 of 4 stars; one submission).

Submission:

Labcorp Genetics (formerly Invitae), Labcorp
Classification: Uncertain significance. Last evaluated: 2022-09-21. Review status: criteria provided, single submitter. Criteria: Invitae Variant Classification Sherloc (09022015). Collection method: clinical testing. Allele origin: germline.
Comment: This variant, c.5672_5698del, results in the deletion of 9 amino acid(s) of the COL7A1 protein (p.Leu1891_Gly1899del), but otherwise preserves the integrity of the reading frame. This variant is not present in population databases (gnomAD no frequency). This variant has not been reported in the literature in individuals affected with COL7A1-related conditions. Experimental studies and prediction algorithms are not available or were not evaluated, and the functional significance of this variant is currently unknown. This variant disrupts the triple helix domain of COL7A1. Glycine residues within the Gly-Xaa-Yaa repeats of the triple helix domain are required for the structure and stability of fibrillar collagens (PMID: 7695699, 8218237, 19344236), and variants at these glycine residues in COL7A1 are more frequently observed in individuals with disease than in the general population (PMID: 22058051). However, the clinical significance of this observation remains uncertain since only a limited number of affected individuals have been described to date. In summary, the available evidence is currently insufficient to determine the role of this variant in disease. Therefore, it has been classified as a Variant of Uncertain Significance.

Literature cited by the submitters: PubMed 7695699; PubMed 8218237; PubMed 19344236; PubMed 22058051.